The following is an entry in ClinVar:

NM_004656.4(BAP1):c.463A>C (p.Lys155Gln)

Gene: BAP1 (BRCA1 associated deubiquitinase 1; minus strand). Cytogenetic location: 3p21.1.
Variant type: single nucleotide variant.
Coding change: c.463A>C on transcript NM_004656.4 (MANE Select); coding-DNA position 463, A replaced by C.
Protein change: p.Lys155Gln; replaces lysine 155 with glutamine.
Molecular consequence: missense variant.
Genome position (GRCh38, 1-based): chr3:52,407,291, T>G on the plus strand (A>C on the coding strand, the complement: BAP1 is on the minus strand). VCF-style: chr3-52407291-T-G. GRCh37 (hg19) VCF-style: chr3-52441307-T-G.
Other names: c.463A>C, p.Lys155Gln (NM_001410772.1); short protein forms K155Q.
Identifiers: ClinVar variation 4812279 (VCV004812279.1).

ClinVar aggregate classification (germline): Uncertain significance (1 of 4 stars; one submission).

Conditions:
BAP1-related tumor predisposition syndrome (TPDS1). Also called: COMMON Syndrome; TUMOR PREDISPOSITION SYNDROME 1; BAP1 tumor predisposition syndrome; Tumor susceptibility linked to germline BAP1 mutations. Identifiers: Orphanet 289539, MedGen C3280492, MONDO:0013692, OMIM 614327.

Submission:

Labcorp Genetics (formerly Invitae), Labcorp
Classification: Uncertain significance for BAP1-related tumor predisposition syndrome. Last evaluated: 2026-01-06. Review status: criteria provided, single submitter. Criteria: Invitae Variant Classification Sherloc (09022015). Collection method: clinical testing. Allele origin: germline.
Comment: This sequence change replaces lysine, which is basic and polar, with glutamine, which is neutral and polar, at codon 155 of the BAP1 protein (p.Lys155Gln). This variant is not present in population databases (gnomAD no frequency). This variant has not been reported in the literature in individuals affected with BAP1-related conditions. Invitae Evidence Modeling of protein sequence and biophysical properties (such as structural, functional, and spatial information, amino acid conservation, physicochemical variation, residue mobility, and thermodynamic stability) indicates that this missense variant is expected to disrupt BAP1 protein function with a positive predictive value of 80%. In summary, the available evidence is currently insufficient to determine the role of this variant in disease. Therefore, it has been classified as a Variant of Uncertain Significance.